The following is an entry in ClinVar:

NM_001110556.2(FLNA):c.5876G>A (p.Arg1959His)

Gene: FLNA (filamin A; minus strand). Cytogenetic location: Xq28.
Variant type: single nucleotide variant.
Coding change: c.5876G>A on transcript NM_001110556.2 (MANE Select); coding-DNA position 5876, G replaced by A.
Protein change: p.Arg1959His; replaces arginine 1959 with histidine.
Molecular consequence: missense variant.
Genome position (GRCh38, 1-based): chrX:154,353,442, C>T on the plus strand (G>A on the coding strand, the complement: FLNA is on the minus strand). VCF-style: chrX-154353442-C-T. GRCh37 (hg19) VCF-style: chrX-153581810-C-T.
Other names: c.5852G>A, p.Arg1951His (NM_001456.4); short protein forms R1951H, R1959H.
Identifiers: ClinVar variation 957029 (VCV000957029.18), dbSNP rs1198953814, ClinGen allele CA415198343.

ClinVar aggregate classification (germline): Conflicting classifications of pathogenicity. Review status: criteria provided, conflicting classifications (1 of 4 stars). 3 submissions from 3 submitters: Uncertain significance (1); Likely benign (2). Last evaluated 2025-11-25.

Conditions:
Melnick-Needles syndrome (MNS). Also called: Melnick-Needles Syndrome (FLNA-MNS); MELNICK-NEEDLES OSTEODYSPLASTY; OSTEODYSPLASTY OF MELNICK AND NEEDLES. Identifiers: Orphanet 2484, MedGen C0025237, MONDO:0010650, OMIM 309350.
Frontometaphyseal dysplasia (FMD1). Identifiers: Orphanet 1826, MedGen C0265293, MONDO:0015942.
Heterotopia, periventricular, X-linked dominant (PVNH1). Also called: PERIVENTRICULAR NODULAR HETEROTOPIA 4; HETEROTOPIA, PERIVENTRICULAR, 1; X-linked periventricular heterotopia; PERIVENTRICULAR NODULAR HETEROTOPIA 1. Identifiers: Orphanet 2149, Orphanet 82004, MedGen C1848213, MONDO:0010233, OMIM 300049.
Oto-palato-digital syndrome, type II (OPD2). Also called: Otopalatodigital Syndrome, Type II; Otopalatodigital Syndrome Type 2 (FLNA-OPD2); FACIOPALATOOSSEOUS SYNDROME; OPD II SYNDROME. Identifiers: Orphanet 669, Orphanet 90652, MedGen C1844696, MONDO:0010571, OMIM 304120.

Allele frequency attached by ClinVar (database versions not stated): gnomAD exomes 0.00001 and 0.00002; TOPMed 0.00002; gnomAD 0.00003.

Submissions (3):

Labcorp Genetics (formerly Invitae), Labcorp
Classification: Likely benign for Oto-palato-digital syndrome, type II; Heterotopia, periventricular, X-linked dominant; Frontometaphyseal dysplasia; Melnick-Needles syndrome. Last evaluated: 2025-11-25. Review status: criteria provided, single submitter. Criteria: Invitae Variant Classification Sherloc (09022015). Collection method: clinical testing. Allele origin: germline.

CeGaT Center for Human Genetics Tuebingen
Classification: Likely benign. Last evaluated: 2025-11-01. Review status: criteria provided, single submitter. Criteria: CeGaT Center For Human Genetics Tuebingen Variant Classification Criteria Version 2. Collection method: clinical testing. Allele origin: germline. Affected: yes. Observed: 1 variant allele.
Comment: FLNA: BS2

Revvity Omics, Revvity
Classification: Uncertain significance. Last evaluated: 2019-07-10. Review status: criteria provided, single submitter. Criteria: ACMG Guidelines, 2015. Collection method: clinical testing. Allele origin: germline.